The following is an entry in ClinVar:

ClinVar aggregate classification (germline): Uncertain significance. Review status: criteria provided, multiple submitters, no conflicts (2 of 4 stars). 3 submissions from 3 submitters: Uncertain significance (3). Last evaluated 2025-11-13.

Conditions:
Inborn genetic diseases. Identifiers: MedGen C0950123, MeSH D030342.

Allele frequency attached by ClinVar (database versions not stated): gnomAD exomes below 0.00001; TOPMed below 0.00001; gnomAD 0.00001.
gnomAD v4.1: 5 of 1,551,198 alleles (0.00032%); highest among the groups gnomAD compares: Non-Finnish European, 0.00035%; no homozygotes.

Submissions (3):

Ambry Genetics
Classification: Uncertain significance for Inborn genetic diseases. Last evaluated: 2025-11-13. Review status: criteria provided, single submitter. Criteria: Ambry Variant Classification Scheme 2023. Collection method: clinical testing. Allele origin: germline.

Labcorp Genetics (formerly Invitae), Labcorp
Classification: Uncertain significance. Last evaluated: 2022-02-10. Review status: criteria provided, single submitter. Criteria: Invitae Variant Classification Sherloc (09022015). Collection method: clinical testing. Allele origin: germline.
Comment: This sequence change replaces histidine, which is basic and polar, with leucine, which is neutral and non-polar, at codon 1738 of the EYS protein (p.His1738Leu). This variant is not present in population databases (gnomAD no frequency). This variant has not been reported in the literature in individuals affected with EYS-related conditions. Algorithms developed to predict the effect of missense changes on protein structure and function (SIFT, PolyPhen-2, Align-GVGD) all suggest that this variant is likely to be tolerated. In summary, the available evidence is currently insufficient to determine the role of this variant in disease. Therefore, it has been classified as a Variant of Uncertain Significance.

Blueprint Genetics
Classification: Uncertain significance. Last evaluated: 2019-10-29. Review status: criteria provided, single submitter. Criteria: ACMG Guidelines, 2015. Collection method: clinical testing. Allele origin: germline.

NM_001142800.2(EYS):c.5213A>T (p.His1738Leu)

Gene: EYS (EGF-like photoreceptor maintenance factor; minus strand). Cytogenetic location: 6q12.
Variant type: single nucleotide variant.
Coding change: c.5213A>T on transcript NM_001142800.2 (MANE Select); coding-DNA position 5213, A replaced by T.
Protein change: p.His1738Leu; replaces histidine 1738 with leucine.
Molecular consequence: missense variant.
Genome position (GRCh38, 1-based): chr6:64,590,654, T>A on the plus strand (A>T on the coding strand, the complement: EYS is on the minus strand). VCF-style: chr6-64590654-T-A. GRCh37 (hg19) VCF-style: chr6-65300547-T-A.
Other names: c.5213A>T, p.His1738Leu (NM_001292009.2); c.5213A>T (NM_001142800.1); short protein forms H1738L.
Identifiers: ClinVar variation 1524807 (VCV001524807.5), dbSNP rs1766376015, ClinGen allele CA364781593.